The following is an entry in ClinVar:

NM_001174089.2(SLC4A11):c.1335_1344del (p.Trp446fs)

Gene: SLC4A11 (solute carrier family 4 member 11; minus strand). Cytogenetic location: 20p13.
Variant type: Deletion.
Coding change: c.1335_1344del on transcript NM_001174089.2 (MANE Select); coding-DNA positions 1335 to 1344, 10 bases deleted (ATGGACGGGC; older notation c.1335_1344delATGGACGGGC).
Protein change: p.Trp446fs; shifts the reading frame from tryptophan 446.
Molecular consequence: frameshift variant. On other transcripts: non-coding transcript variant (3).
Genome position (GRCh38, 1-based): chr20:3,230,586-3,230,595, GCCCGTCCAT deleted on the plus strand (ATGGACGGGC on the coding strand, the reverse complement: SLC4A11 is on the minus strand); deleting any 10 consecutive bases within chr20:3,230,586-3,230,597 gives the same sequence; the c. name uses the placement nearest the transcript's 3' end. VCF-style (leftmost placement, unchanged base first): chr20-3230585-GGCCCGTCCAT-G. GRCh37 (hg19) VCF-style: chr20-3211231-GGCCCGTCCAT-G.
Other names: c.1464_1473del, p.Trp489fs (NM_001174090.2); c.1221_1230del, p.Trp408fs (NM_001363745.2); c.1278_1287del, p.Trp427fs (NM_001400277.1, NM_001400278.1, NM_001400279.1); c.1350_1359del, p.Trp451fs (NM_001400280.1); c.1383_1392del, p.Trp462fs (NM_032034.4); short protein forms W489fs, W408fs, W427fs, W446fs, W451fs, W462fs.
Identifiers: ClinVar variation 2837584 (VCV002837584.3), dbSNP rs2514551572, ClinGen allele CA2739277031.

ClinVar aggregate classification (germline): Pathogenic (1 of 4 stars; one submission).

Submission:

Labcorp Genetics (formerly Invitae), Labcorp
Classification: Pathogenic. Last evaluated: 2023-02-14. Review status: criteria provided, single submitter. Criteria: Invitae Variant Classification Sherloc (09022015). Collection method: clinical testing. Allele origin: germline.
Comment: This sequence change creates a premature translational stop signal (p.Trp462Cysfs*19) in the SLC4A11 gene. It is expected to result in an absent or disrupted protein product. Loss-of-function variants in SLC4A11 are known to be pathogenic (PMID: 17220209, 17679935). This variant is not present in population databases (gnomAD no frequency). This variant has not been reported in the literature in individuals affected with SLC4A11-related conditions. For these reasons, this variant has been classified as Pathogenic.

Literature cited by the submitters: PubMed 17220209; PubMed 17679935.